The following is an entry in ClinVar:

NM_000238.4(KCNH2):c.156C>T (p.Cys52=)

Gene: KCNH2 (potassium voltage-gated channel subfamily H member 2; minus strand). Cytogenetic location: 7q36.1.
Variant type: single nucleotide variant.
Coding change: c.156C>T on transcript NM_000238.4 (MANE Select); coding-DNA position 156, C replaced by T.
Protein change: p.Cys52=; no amino-acid change (cysteine 52 retained).
Molecular consequence: synonymous variant. On other transcripts: 5 prime UTR variant (1), non-coding transcript variant (1).
Genome position (GRCh38, 1-based): chr7:150,974,862, G>A on the plus strand (C>T on the coding strand, the complement: KCNH2 is on the minus strand). VCF-style: chr7-150974862-G-A. GRCh37 (hg19) VCF-style: chr7-150671950-G-A.
Other names: c.-22C>T (NM_001406755.1); c.156C>T, p.Cys52= (NM_172056.3).
Identifiers: ClinVar variation 263739 (VCV000263739.15), dbSNP rs754921704, ClinGen allele CA028802.

ClinVar aggregate classification (germline): Likely benign. Review status: criteria provided, multiple submitters, no conflicts (2 of 4 stars). 4 submissions from 4 submitters: Likely benign (4). Last evaluated 2025-12-15.

Conditions:
Cardiovascular phenotype. Identifiers: MedGen CN230736.
Long QT syndrome (LQTS). Identifiers: MedGen C0023976, MeSH D008133, MONDO:0002442. Disease mechanism: loss of function. Inheritance: Various modes of inheritance.
Short QT syndrome type 1. Identifiers: Orphanet 51083, MedGen C1865020, MONDO:0012312, OMIM 609620.
Long QT syndrome 2 (LQT2). Identifiers: Orphanet 101016, Orphanet 768, MedGen C3150943, MONDO:0013367, OMIM 613688.

Allele frequency attached by ClinVar (database versions not stated): gnomAD 0.00001; TOPMed 0.00001.

Submissions (4):

Labcorp Genetics (formerly Invitae), Labcorp
Classification: Likely benign for Long QT syndrome. Last evaluated: 2025-12-15. Review status: criteria provided, single submitter. Criteria: Invitae Variant Classification Sherloc (09022015). Collection method: clinical testing. Allele origin: germline.

Fulgent Genetics
Classification: Likely benign for Short QT syndrome type 1; Long QT syndrome 2. Last evaluated: 2021-11-09. Review status: criteria provided, single submitter. Criteria: ACMG Guidelines, 2015. Collection method: clinical testing. Allele origin: unknown.

GeneDx
Classification: Likely benign. Last evaluated: 2016-11-22. Review status: criteria provided, single submitter. Criteria: GeneDx Variant Classification (06012015). Collection method: clinical testing. Allele origin: germline. Affected: yes.
Comment: This variant is considered likely benign or benign based on one or more of the following criteria: it is a conservative change, it occurs at a poorly conserved position in the protein, it is predicted to be benign by multiple in silico algorithms, and/or has population frequency not consistent with disease.

Ambry Genetics
Classification: Likely benign for Cardiovascular phenotype. Last evaluated: 2013-09-14. Review status: criteria provided, single submitter. Criteria: Ambry Autosomal Dominant and X-Linked criteria (10/2015). Collection method: clinical testing. Allele origin: germline. Observed: 1 variant allele.